The following is an entry in ClinVar:

NM_000081.4(LYST):c.284-13T>A

Gene: LYST (lysosomal trafficking regulator; minus strand). Cytogenetic location: 1q42.3.
Variant type: single nucleotide variant.
Coding change: c.284-13T>A on transcript NM_000081.4 (MANE Select); 13 bases into the intron before coding-DNA position 284, T replaced by A.
Molecular consequence: intron variant.
Genome position (GRCh38, 1-based): chr1:235,810,547, A>T on the plus strand (T>A on the coding strand, the complement: LYST is on the minus strand). VCF-style: chr1-235810547-A-T. GRCh37 (hg19) VCF-style: chr1-235973847-A-T.
Other names: c.284-13T>A (NM_001301365.1).
Identifiers: ClinVar variation 3728315 (VCV003728315.2).

ClinVar aggregate classification (germline): Uncertain significance (1 of 4 stars; one submission).

Conditions:
Chédiak-Higashi syndrome (CHS). Also called: Chediak-Higashi Syndrome. Identifiers: Orphanet 167, MedGen C0007965, MONDO:0008963, OMIM 214500.

Submission:

Labcorp Genetics (formerly Invitae), Labcorp
Classification: Uncertain significance for Chédiak-Higashi syndrome. Last evaluated: 2024-12-30. Review status: criteria provided, single submitter. Criteria: Invitae Variant Classification Sherloc (09022015). Collection method: clinical testing. Allele origin: germline.
Comment: This sequence change falls in intron 4 of the LYST gene. It does not directly change the encoded amino acid sequence of the LYST protein. This variant is not present in population databases (gnomAD no frequency). This variant has not been reported in the literature in individuals affected with LYST-related conditions. Algorithms developed to predict the effect of sequence changes on RNA splicing suggest that this variant may disrupt the consensus splice site. In summary, the available evidence is currently insufficient to determine the role of this variant in disease. Therefore, it has been classified as a Variant of Uncertain Significance.